The following is an entry in ClinVar:

NM_000138.5(FBN1):c.7306G>A (p.Asp2436Asn)

Gene: FBN1 (fibrillin 1; minus strand). Cytogenetic location: 15q21.1.
Variant type: single nucleotide variant.
Coding change: c.7306G>A on transcript NM_000138.5 (MANE Select); coding-DNA position 7306, G replaced by A.
Protein change: p.Asp2436Asn; replaces aspartic acid 2436 with asparagine.
Molecular consequence: missense variant.
Genome position (GRCh38, 1-based): chr15:48,425,763, C>T on the plus strand (G>A on the coding strand, the complement: FBN1 is on the minus strand). VCF-style: chr15-48425763-C-T. GRCh37 (hg19) VCF-style: chr15-48717960-C-T.
Other names: c.7306G>A, p.Asp2436Asn (NM_001406716.1); short protein forms D2436N.
Identifiers: ClinVar variation 3075005 (VCV003075005.3), dbSNP rs969046240, ClinGen allele CA269520745.

ClinVar aggregate classification (germline): Uncertain significance. Review status: criteria provided, multiple submitters, no conflicts (2 of 4 stars). 3 submissions from 3 submitters: Uncertain significance (3). Last evaluated 2025-12-16.

Conditions:
Marfan syndrome (MFS). Also called: MARFAN SYNDROME, TYPE I; Marfan syndrome type 1; Marfan's syndrome; Marfan syndrome, classic; FBN1-Related Marfan Syndrome. Identifiers: Orphanet 284963, Orphanet 558, MedGen C0024796, MONDO:0007947, OMIM 154700.
Familial thoracic aortic aneurysm and aortic dissection (TAAD). Also called: Thoracic aortic aneurysms and dissections. Identifiers: Orphanet 91387, MedGen C4707243, MONDO:0019625.

Submissions (3):

Ambry Genetics
Classification: Uncertain significance for Familial thoracic aortic aneurysm and aortic dissection. Last evaluated: 2025-12-16. Review status: criteria provided, single submitter. Criteria: Ambry Variant Classification Scheme 2023. Collection method: clinical testing. Allele origin: germline.
Comment: The p.D2436N variant (also known as c.7306G>A), located in coding exon 58 of the FBN1 gene, results from a G to A substitution at nucleotide position 7306. The aspartic acid at codon 2436 is replaced by asparagine, an amino acid with highly similar properties. This amino acid position is conserved. In addition, the in silico prediction for this alteration is inconclusive. Based on the available evidence, the clinical significance of this variant remains unclear.

Color Diagnostics, LLC DBA Color Health
Classification: Uncertain significance for Familial thoracic aortic aneurysm and aortic dissection. Last evaluated: 2025-08-14. Review status: criteria provided, single submitter. Criteria: ACMG Guidelines, 2015. Collection method: clinical testing. Allele origin: germline.
Comment: This missense variant replaces aspartic acid with asparagine at codon 2436 of the FBN1 protein. Computational prediction is inconclusive regarding the impact of this variant on protein structure and function. To our knowledge, functional studies have not been reported for this variant. This variant has not been reported in individuals affected with FBN1-related disorders in the literature. This variant has not been identified in the general population by the Genome Aggregation Database (gnomAD). The available evidence is insufficient to determine the role of this variant in disease conclusively. Therefore, this variant is classified as a Variant of Uncertain Significance.

All of Us Research Program, National Institutes of Health
Classification: Uncertain significance for Marfan syndrome. Last evaluated: 2024-01-11. Review status: criteria provided, single submitter. Criteria: ACMG Guidelines, 2015. Collection method: clinical testing. Allele origin: germline. Inheritance: Autosomal dominant inheritance. Observed: 1 variant allele, 1 heterozygote.
Comment: This study involves interpretation of variants in research participants for the purpose of population health screening. Participant phenotype was not available at the time of variant classification. Additional details can be found in publication PMID: 35346344, PMCID: PMC8962531